The following is an entry in ClinVar:

NM_001035.3(RYR2):c.6166+7A>G

Gene: RYR2 (ryanodine receptor 2; plus strand). Cytogenetic location: 1q43.
Variant type: single nucleotide variant.
Coding change: c.6166+7A>G on transcript NM_001035.3 (MANE Select); 7 bases into the intron after coding-DNA position 6166, A replaced by G.
Molecular consequence: intron variant.
Genome position (GRCh38, 1-based): chr1:237,625,811, A>G. VCF-style: chr1-237625811-A-G. GRCh37 (hg19) VCF-style: chr1-237789111-A-G.
Identifiers: ClinVar variation 1040835 (VCV001040835.48), dbSNP rs1679585107, ClinGen allele CA2487417073.
Genomic context (GRCh38, chr1:237,625,811, plus strand): 5'-ATCTGAAGAAGAAGCAAGCAGAAAAACCAGTTGAGAGTGACTCCAAAAAGTCCTGTAAGC[A>G]GTATGAGAGTGCACTGGCAGAATGACCCAACTGCTGACACTTAACTCATCCTTTGAACGA-3'

ClinVar aggregate classification (germline): Uncertain significance (1 of 4 stars; one submission).

Conditions:
Catecholaminergic polymorphic ventricular tachycardia 1. Also called: VENTRICULAR TACHYCARDIA, CATECHOLAMINERGIC POLYMORPHIC, 1, WITH OR WITHOUT ATRIAL DYSFUNCTION AND/OR DILATED CARDIOMYOPATHY; VENTRICULAR TACHYCARDIA, STRESS-INDUCED POLYMORPHIC 1; RYR2-Related Catecholaminergic Polymorphic Ventricular Tachycardia. Identifiers: Orphanet 3286, MedGen C1631597, MONDO:0011484, OMIM 604772.

Submission:

Labcorp Genetics (formerly Invitae), Labcorp
Classification: Uncertain significance for Catecholaminergic polymorphic ventricular tachycardia 1. Last evaluated: 2022-07-12. Review status: criteria provided, single submitter. Criteria: Invitae Variant Classification Sherloc (09022015). Collection method: clinical testing. Allele origin: germline.
Comment: In summary, the available evidence is currently insufficient to determine the role of this variant in disease. Therefore, it has been classified as a Variant of Uncertain Significance. Algorithms developed to predict the effect of sequence changes on RNA splicing suggest that this variant may disrupt the consensus splice site. ClinVar contains an entry for this variant (Variation ID: 1040835). This variant has not been reported in the literature in individuals affected with RYR2-related conditions. This variant is not present in population databases (gnomAD no frequency). This sequence change falls in intron 40 of the RYR2 gene. It does not directly change the encoded amino acid sequence of the RYR2 protein.